The following is an entry in ClinVar:

ClinVar aggregate classification (germline): Uncertain significance (1 of 4 stars; one submission).

Submission:

Medical Genetic Center, Changzhi Maternal and Child Health Care Hospital
Classification: Uncertain significance. Last evaluated: 2025-12-10. Review status: criteria provided, single submitter. Criteria: ACMG/ClinGen CNV Guidelines, 2019. Collection method: clinical testing. Allele origin: unknown.
Comment: 16p13.11 recurrent region (BP2-BP3) (includes MYH11) (TS=2), GNAI1 partial duplication (exon 1-2)

GRCh38/hg38 16p13.11(chr16:14803545-16440174)x1

Genes: ABCC1 (ATP binding cassette subfamily C member 1 (ABCC1 blood group); plus strand), ABCC6 (ATP binding cassette subfamily C member 6; minus strand), BMERB1 (bMERB domain containing 1; plus strand), CEP20 (centrosomal protein 20; minus strand), MARF1 (meiosis regulator and mRNA stability factor 1; minus strand) and 51 more. Cytogenetic location: 16p13.11.
Variant type: copy number loss.
Change: copy number 1 (one copy instead of two) of chr16:14,803,545-16,440,174 (1.64 Mb, GRCh38 coordinates, 1-based), cytogenetic band 16p13.11.
Identifiers: ClinVar variation 4796377 (VCV004796377.1).